The following is an entry in ClinVar:

ClinVar aggregate classification (germline): Benign/Likely benign. Review status: criteria provided, multiple submitters, no conflicts (2 of 4 stars). 3 submissions from 3 submitters: Benign (1); Likely benign (2). Last evaluated 2025-02-28.

Conditions:
Hereditary cancer-predisposing syndrome. Also called: Hereditary Cancer Syndrome; Hereditary neoplastic syndrome; Neoplastic Syndromes, Hereditary; Tumor predisposition. Identifiers: Orphanet 140162, MedGen C0027672, MeSH D009386, MONDO:0015356.
Pheochromocytoma/paraganglioma syndrome 5. Also called: Paragangliomas 5; SDHA-Related Hereditary Paraganglioma-Pheochromocytoma Syndrome. Identifiers: Orphanet 29072, MedGen C3279992, MONDO:0013602, OMIM 614165.
Mitochondrial complex II deficiency, nuclear type 1. Also called: SUCCINATE CoQ REDUCTASE DEFICIENCY. Identifiers: Orphanet 3208, MedGen C5700310, MONDO:0100294, OMIM 252011.

Submissions (3):

Myriad Genetics, Inc.
Classification: Benign for Pheochromocytoma/paraganglioma syndrome 5. Last evaluated: 2025-02-28. Review status: criteria provided, single submitter. Criteria: Myriad Autosomal Dominant, Autosomal Recessive and X-Linked Classification Criteria (2023). Collection method: clinical testing. Allele origin: unknown.
Comment: This variant is considered benign. This variant is a silent/synonymous amino acid change and it is not expected to impact splicing.

Labcorp Genetics (formerly Invitae), Labcorp
Classification: Likely benign for Pheochromocytoma/paraganglioma syndrome 5; Mitochondrial complex II deficiency, nuclear type 1. Last evaluated: 2024-06-12. Review status: criteria provided, single submitter. Criteria: Invitae Variant Classification Sherloc (09022015). Collection method: clinical testing. Allele origin: germline.

Ambry Genetics
Classification: Likely benign for Hereditary cancer-predisposing syndrome. Last evaluated: 2021-03-01. Review status: criteria provided, single submitter. Criteria: Ambry Variant Classification Scheme 2023. Collection method: clinical testing. Allele origin: germline.

NM_004168.4(SDHA):c.57C>T (p.Ala19=)

Gene: SDHA (succinate dehydrogenase complex flavoprotein subunit A; plus strand). Cytogenetic location: 5p15.33.
Variant type: single nucleotide variant.
Coding change: c.57C>T on transcript NM_004168.4 (MANE Select); coding-DNA position 57, C replaced by T.
Protein change: p.Ala19=; no amino-acid change (alanine 19 retained).
Molecular consequence: synonymous variant.
Genome position (GRCh38, 1-based): chr5:218,412, C>T. VCF-style: chr5-218412-C-T. GRCh37 (hg19) VCF-style: chr5-218527-C-T.
Other names: c.57C>T, p.Ala19= (NM_001294332.2, NM_001330758.2).
Identifiers: ClinVar variation 1749747 (VCV001749747.6), dbSNP rs749948037, ClinGen allele CA442689574.
Genomic context (GRCh38, chr5:218,412, plus strand): 5'-AGACATGTCGGGGGTCCGGGGCCTGTCGCGGCTGCTGAGCGCTCGGCGCCTGGCGCTGGC[C>T]AAGGCGGTGAGTCCGTGCCGCGGACCGGGGCGGGGCAGGCGGGGGCCGAGGCGGCGGTAG-3'
Protein context (NP_004159.2, residues 9-29): RLLSARRLAL[Ala19=]KAWPTVLQTG